The following is an entry in ClinVar:

NM_001035235.4(SRA1):c.374_376del (p.Ile125del)

Gene: SRA1 (steroid receptor RNA activator 1; minus strand). Cytogenetic location: 5q31.3.
Variant type: Deletion.
Coding change: c.374_376del on transcript NM_001035235.4 (MANE Select); coding-DNA positions 374 to 376, 3 bases deleted (TCA; older notation c.374_376delTCA).
Protein change: p.Ile125del; deletes isoleucine 125.
Molecular consequence: inframe deletion. On other transcripts: non-coding transcript variant (2).
Genome position (GRCh38, 1-based): chr5:140,551,148-140,551,150, TGA deleted on the plus strand (TCA on the coding strand, the reverse complement: SRA1 is on the minus strand); deleting any 3 consecutive bases within chr5:140,551,148-140,551,152 gives the same sequence; the c. name uses the placement nearest the transcript's 3' end. VCF-style (leftmost placement, unchanged base first): chr5-140551147-CTGA-C. GRCh37 (hg19) VCF-style: chr5-139930732-CTGA-C.
Other names: c.326_328del, p.Ile109del (NM_001253764.2); short protein forms I125del, I109del.
Identifiers: ClinVar variation 4729864 (VCV004729864.1).
Genomic context (GRCh38, chr5:140,551,147, plus strand): 5'-TTTACAGGTATTGACAACTTTCCTCCAGCCCACTGTTCCTGCAGCAGTGCCAGGCGTCGG[CTGA>C]TGTCATCACATACCTGCTTCTAAGAGACAGAAGCCCCCCTCCAATTCAGTGCTGCCAGCC-3'

ClinVar aggregate classification (germline): Uncertain significance (1 of 4 stars; one submission).

Submission:

Labcorp Genetics (formerly Invitae), Labcorp
Classification: Uncertain significance. Last evaluated: 2025-10-26. Review status: criteria provided, single submitter. Criteria: Invitae Variant Classification Sherloc (09022015). Collection method: clinical testing. Allele origin: germline.
Comment: This variant, c.410_412del, results in the deletion of 1 amino acid(s) of the SRA1 protein (p.Ile137del), but otherwise preserves the integrity of the reading frame. This variant is not present in population databases (gnomAD no frequency). This variant has not been reported in the literature in individuals affected with SRA1-related conditions. Experimental studies and prediction algorithms are not available or were not evaluated, and the functional significance of this variant is currently unknown. In summary, the available evidence is currently insufficient to determine the role of this variant in disease. Therefore, it has been classified as a Variant of Uncertain Significance.